The following is an entry in ClinVar:

ClinVar aggregate classification (germline): Likely benign (1 of 4 stars; one submission).

Allele frequency attached by ClinVar (database versions not stated): ExAC 0.00001.

Submission:

CeGaT Center for Human Genetics Tuebingen
Classification: Likely benign. Last evaluated: 2023-03-01. Review status: criteria provided, single submitter. Criteria: CeGaT Center For Human Genetics Tuebingen Variant Classification Criteria Version 2. Collection method: clinical testing. Allele origin: germline. Affected: yes. Observed: 1 variant allele.
Comment: ZNF12: BP4, BP7

NM_016265.4(ZNF12):c.921C>T (p.Cys307=)

Gene: ZNF12 (zinc finger protein 12; minus strand). Cytogenetic location: 7p22.1.
Variant type: single nucleotide variant.
Coding change: c.921C>T on transcript NM_016265.4 (MANE Select); coding-DNA position 921, C replaced by T.
Protein change: p.Cys307=; no amino-acid change (cysteine 307 retained).
Molecular consequence: synonymous variant.
Genome position (GRCh38, 1-based): chr7:6,692,021, G>A on the plus strand (C>T on the coding strand, the complement: ZNF12 is on the minus strand). VCF-style: chr7-6692021-G-A. GRCh37 (hg19) VCF-style: chr7-6731652-G-A.
Other names: c.807C>T, p.Cys269= (NM_006956.3).
Identifiers: ClinVar variation 2657311 (VCV002657311.24), dbSNP rs753086979, ClinGen allele CA4157137.